The following is an entry in ClinVar:

ClinVar aggregate classification (germline): Uncertain significance. Review status: criteria provided, multiple submitters, no conflicts (2 of 4 stars). 3 submissions from 3 submitters: Uncertain significance (3). Last evaluated 2025-05-21.

Conditions:
Inborn genetic diseases. Identifiers: MedGen C0950123, MeSH D030342.

Allele frequency attached by ClinVar (database versions not stated): gnomAD 0.00002 and 0.00003; TOPMed 0.00004; 1000 Genomes Project 30x 0.00016; 1000 Genomes Project 0.00020.
gnomAD v4.1: 26 of 1,614,160 alleles (0.0016%); highest among the groups gnomAD compares: Admixed American, 0.043%; no homozygotes.

Submissions (3):

Ambry Genetics
Classification: Uncertain significance for Inborn genetic diseases. Last evaluated: 2025-05-21. Review status: criteria provided, single submitter. Criteria: Ambry Variant Classification Scheme 2023. Collection method: clinical testing. Allele origin: germline.

Blueprint Genetics
Classification: Uncertain significance. Last evaluated: 2022-07-28. Review status: criteria provided, single submitter. Criteria: ACMG Guidelines, 2015. Collection method: clinical testing. Allele origin: germline.

Labcorp Genetics (formerly Invitae), Labcorp
Classification: Uncertain significance. Last evaluated: 2022-01-19. Review status: criteria provided, single submitter. Criteria: Invitae Variant Classification Sherloc (09022015). Collection method: clinical testing. Allele origin: germline.
Comment: This sequence change replaces serine, which is neutral and polar, with isoleucine, which is neutral and non-polar, at codon 996 of the ADAMTS18 protein (p.Ser996Ile). This variant is present in population databases (rs191328145, gnomAD 0.06%). This variant has not been reported in the literature in individuals affected with ADAMTS18-related conditions. Algorithms developed to predict the effect of missense changes on protein structure and function are either unavailable or do not agree on the potential impact of this missense change (SIFT: "Not Available"; PolyPhen-2: "Possibly Damaging"; Align-GVGD: "Not Available"). In summary, the available evidence is currently insufficient to determine the role of this variant in disease. Therefore, it has been classified as a Variant of Uncertain Significance.

NM_199355.4(ADAMTS18):c.2987G>T (p.Ser996Ile)

Gene: ADAMTS18 (ADAM metallopeptidase with thrombospondin type 1 motif 18; minus strand). Cytogenetic location: 16q23.1.
Variant type: single nucleotide variant.
Coding change: c.2987G>T on transcript NM_199355.4 (MANE Select); coding-DNA position 2987, G replaced by T.
Protein change: p.Ser996Ile; replaces serine 996 with isoleucine.
Molecular consequence: missense variant.
Genome position (GRCh38, 1-based): chr16:77,294,942, C>A on the plus strand (G>T on the coding strand, the complement: ADAMTS18 is on the minus strand). VCF-style: chr16-77294942-C-A. GRCh37 (hg19) VCF-style: chr16-77328839-C-A.
Other names: c.2471G>T, p.Ser824Ile (NM_001326358.2); c.2987G>T (NM_199355.2); short protein forms S824I, S996I.
Identifiers: ClinVar variation 1472854 (VCV001472854.7), dbSNP rs191328145, ClinGen allele CA8180677.